The following is an entry in ClinVar:

ClinVar aggregate classification (germline): Likely pathogenic (1 of 4 stars; one submission).

Conditions:
Holoprosencephaly 9 (HPE9). Also called: HOLOPROSENCEPHALY WITH MICROPHTHALMIA AND FIRST BRANCHIAL ARCH ANOMALIES; PITUITARY ANOMALIES WITH HOLOPROSENCEPHALY-LIKE FEATURES. Identifiers: Orphanet 2162, MedGen C1835819, MONDO:0012563, OMIM 610829.
Postaxial polydactyly-anterior pituitary anomalies-facial dysmorphism syndrome. Also called: Culler-Jones syndrome. Identifiers: Orphanet 420584, MedGen C4014479, MONDO:0014369, OMIM 615849.

Submission:

Juno Genomics, Hangzhou Juno Genomics, Inc
Classification: Likely pathogenic for Postaxial polydactyly-anterior pituitary anomalies-facial dysmorphism syndrome; Holoprosencephaly 9. Review status: criteria provided, single submitter. Criteria: ACMG Guidelines, 2015. Collection method: clinical testing. Allele origin: germline. Affected: yes.
Comment: Absent from controls (or at extremely low frequency if recessive) in Genome Aggregation Database, Exome Sequencing Project, 1000 Genomes Project, or Exome Aggregation Consortium.;Null variant in a gene where loss of function (LOF) is a known mechanism of disease.;Patient's phenotype or family history is highly specific for a disease with a single genetic etiology.

NM_001374353.1(GLI2):c.2987_2994dup (p.Asp999fs)

Gene: GLI2 (GLI family zinc finger 2; plus strand). Cytogenetic location: 2q14.2.
Variant type: Duplication.
Coding change: c.2987_2994dup on transcript NM_001374353.1 (MANE Select); coding-DNA positions 2987 to 2994, 8 bases duplicated (CGAGCACC; older notation c.2987_2994dupCGAGCACC).
Protein change: p.Asp999fs; shifts the reading frame from aspartic acid 999.
Molecular consequence: frameshift variant.
Genome position (GRCh38, 1-based): chr2:120,988,952-120,988,959, CGAGCACC duplicated; duplicating any 8 consecutive bases within chr2:120,988,948-120,988,959 gives the same sequence; the c. name uses the placement nearest the transcript's 3' end. VCF-style (leftmost placement, unchanged base first): chr2-120988947-C-CCACCCGAG. GRCh37 (hg19) VCF-style: chr2-121746523-C-CCACCCGAG.
Other names: c.3038_3045dup, p.Asp1016fs (NM_001371271.1, NM_005270.5); c.2612_2619dup, p.Asp874fs (NM_001374354.1); short protein forms D1016fs, D874fs, D999fs.
Identifiers: ClinVar variation 3382784 (VCV003382784.2).